The following is an entry in ClinVar:

ClinVar aggregate classification (germline): Pathogenic (1 of 4 stars; one submission).

Conditions:
Hereditary cancer-predisposing syndrome. Also called: Hereditary neoplastic syndrome; Neoplastic Syndromes, Hereditary; Tumor predisposition; Hereditary Cancer Syndrome. Identifiers: Orphanet 140162, MedGen C0027672, MeSH D009386, MONDO:0015356.

Submission:

Ambry Genetics
Classification: Pathogenic for Hereditary cancer-predisposing syndrome. Last evaluated: 2026-04-29. Review status: criteria provided, single submitter. Criteria: Ambry Variant Classification Scheme 2023. Collection method: clinical testing. Allele origin: germline.
Comment: The c.376-1G>C intronic pathogenic mutation results from a G to C substitution one nucleotide upstream from coding exon 6 of the BAP1 gene. This variant was reported in individual(s) with features consistent with BAP1-related tumor predisposition syndrome (Ambry internal data). This variant was non-functional in a high throughput genome editing haploid cell survival functional assay (Waters AJ et al. Nat Genet, 2024 Jul;56:1434-1445). This variant is considered to be rare based on population cohorts in the Genome Aggregation Database (gnomAD). This nucleotide position is highly conserved in available vertebrate species. In silico splice site analysis predicts that this alteration will weaken the native splice acceptor site and will result in the creation or strengthening of a novel splice acceptor site; however, direct evidence is insufficient at this time (Ambry internal data). Variants that disrupt the canonical splice site are expected to cause aberrant splicing, resulting in an abnormal protein or a transcript that is subject to nonsense-mediated mRNA decay. Based on the supporting evidence, this variant is interpreted as a disease-causing mutation.

Literature cited by the submitters: PubMed 38969833.

NM_004656.4(BAP1):c.376-1G>C

Gene: BAP1 (BRCA1 associated deubiquitinase 1; minus strand). Cytogenetic location: 3p21.1.
Variant type: single nucleotide variant.
Coding change: c.376-1G>C on transcript NM_004656.4 (MANE Select); the canonical splice acceptor site of the intron before coding-DNA position 376, G replaced by C.
Molecular consequence: splice acceptor variant.
Genome position (GRCh38, 1-based): chr3:52,407,461, C>G on the plus strand (G>C on the coding strand, the complement: BAP1 is on the minus strand). VCF-style: chr3-52407461-C-G. GRCh37 (hg19) VCF-style: chr3-52441477-C-G.
Other names: c.376-1G>C (NM_001410772.1).
Identifiers: ClinVar variation 4827332 (VCV004827332.2).